The following is an entry in ClinVar:

ClinVar aggregate classification (germline): Uncertain significance (1 of 4 stars; one submission).

Conditions:
3-methylglutaconic aciduria, type VIIB (MGCA7B). Also called: CLPB Deficiency; 3-methylglutaconic aciduria, type VII, with cataracts, neurologic involvement and neutropenia; 3-methylglutaconic aciduria with cataracts, neurologic involvement and neutropenia. Identifiers: Orphanet 445038, MedGen C5676893, MONDO:0014561, OMIM 616271.

Allele frequency attached by ClinVar (database versions not stated): TOPMed below 0.00001; gnomAD exomes 0.00001; ExAC 0.00002.

Submission:

Labcorp Genetics (formerly Invitae), Labcorp
Classification: Uncertain significance for 3-methylglutaconic aciduria, type VIIB. Last evaluated: 2025-06-06. Review status: criteria provided, single submitter. Criteria: Invitae Variant Classification Sherloc (09022015). Collection method: clinical testing. Allele origin: germline.
Comment: This sequence change replaces arginine, which is basic and polar, with tryptophan, which is neutral and slightly polar, at codon 334 of the CLPB protein (p.Arg334Trp). The frequency data for this variant in the population databases is considered unreliable, as metrics indicate poor data quality at this position in the gnomAD database. This variant has not been reported in the literature in individuals affected with CLPB-related conditions. ClinVar contains an entry for this variant (Variation ID: 966325). An algorithm developed to predict the effect of missense changes on protein structure and function (PolyPhen-2) suggests that this variant is likely to be disruptive. In summary, the available evidence is currently insufficient to determine the role of this variant in disease. Therefore, it has been classified as a Variant of Uncertain Significance.

NM_001258392.3(CLPB):c.910C>T (p.Arg304Trp)

Gene: CLPB (ClpB family mitochondrial disaggregase; minus strand). Cytogenetic location: 11q13.4.
Variant type: single nucleotide variant.
Coding change: c.910C>T on transcript NM_001258392.3 (MANE Select); coding-DNA position 910, C replaced by T.
Protein change: p.Arg304Trp; replaces arginine 304 with tryptophan.
Molecular consequence: missense variant.
Genome position (GRCh38, 1-based): chr11:72,317,184, G>A on the plus strand (C>T on the coding strand, the complement: CLPB is on the minus strand). VCF-style: chr11-72317184-G-A. GRCh37 (hg19) VCF-style: chr11-72028228-G-A.
Other names: c.823C>T, p.Arg275Trp (NM_001258393.3); c.865C>T, p.Arg289Trp (NM_001258394.3); c.1000C>T, p.Arg334Trp (NM_030813.6); short protein forms R275W, R304W, R289W, R334W.
Identifiers: ClinVar variation 966325 (VCV000966325.4), dbSNP rs747344641, ClinGen allele CA6171332.